The following is an entry in ClinVar:

ClinVar aggregate classification (germline): Likely benign. Review status: criteria provided, multiple submitters, no conflicts (2 of 4 stars). 2 submissions from 2 submitters: Likely benign (2). Last evaluated 2025-11-01.

Conditions:
Severe combined immunodeficiency due to DNA-PKcs deficiency. Also called: IMMUNODEFICIENCY 26 WITH NEUROLOGIC ABNORMALITIES; Immunodeficiency 26 with or without neurologic abnormalities. Identifiers: Orphanet 317425, MedGen C4014833, MONDO:0014423, OMIM 615966.

gnomAD v4.1: 1 of 1,613,218 alleles (0.000062%); highest among the groups gnomAD compares: Middle Eastern, 0.017%; no homozygotes.

Submissions (2):

CeGaT Center for Human Genetics Tuebingen
Classification: Likely benign. Last evaluated: 2025-11-01. Review status: criteria provided, single submitter. Criteria: CeGaT Center For Human Genetics Tuebingen Variant Classification Criteria Version 2. Collection method: clinical testing. Allele origin: germline. Affected: yes. Observed: 1 variant allele.
Comment: PRKDC: BP4, BP7

Labcorp Genetics (formerly Invitae), Labcorp
Classification: Likely benign for Severe combined immunodeficiency due to DNA-PKcs deficiency. Last evaluated: 2025-07-30. Review status: criteria provided, single submitter. Criteria: Invitae Variant Classification Sherloc (09022015). Collection method: clinical testing. Allele origin: germline.

NM_006904.7(PRKDC):c.10641T>C (p.Thr3547=)

Gene: PRKDC (protein kinase, DNA-activated, catalytic subunit; minus strand). Cytogenetic location: 8q11.21.
Variant type: single nucleotide variant.
Coding change: c.10641T>C on transcript NM_006904.7 (MANE Select); coding-DNA position 10641, T replaced by C.
Protein change: p.Thr3547=; no amino-acid change (threonine 3547 retained).
Molecular consequence: synonymous variant.
Genome position (GRCh38, 1-based): chr8:47,794,319, A>G on the plus strand (T>C on the coding strand, the complement: PRKDC is on the minus strand). VCF-style: chr8-47794319-A-G. GRCh37 (hg19) VCF-style: chr8-48706880-A-G.
Other names: c.10641T>C, p.Thr3547= (NM_001081640.2).
Identifiers: ClinVar variation 4533891 (VCV004533891.7).